The following is an entry in ClinVar:

NM_031220.4(PITPNM3):c.1478G>A (p.Arg493Gln)

Gene: PITPNM3 (PITPNM family member 3; minus strand). Cytogenetic location: 17p13.2.
Variant type: single nucleotide variant.
Coding change: c.1478G>A on transcript NM_031220.4 (MANE Select); coding-DNA position 1478, G replaced by A.
Protein change: p.Arg493Gln; replaces arginine 493 with glutamine.
Molecular consequence: missense variant.
Genome position (GRCh38, 1-based): chr17:6,471,307, C>T on the plus strand (G>A on the coding strand, the complement: PITPNM3 is on the minus strand). VCF-style: chr17-6471307-C-T. GRCh37 (hg19) VCF-style: chr17-6374627-C-T.
Other names: c.1370G>A, p.Arg457Gln (NM_001165966.2); short protein forms R493Q, R457Q.
Identifiers: ClinVar variation 167470 (VCV000167470.14), dbSNP rs727504085, ClinGen allele CA234555.

ClinVar aggregate classification (germline): Uncertain significance. Review status: criteria provided, multiple submitters, no conflicts (2 of 4 stars). 2 submissions from 2 submitters: Uncertain significance (2). Last evaluated 2025-07-07.

Allele frequency attached by ClinVar (database versions not stated): gnomAD 0.00001 and 0.00002; TOPMed 0.00001; gnomAD exomes 0.00002 and 0.00003; ExAC 0.00004.
gnomAD v4.1: 25 of 1,610,092 alleles (0.0016%); highest among the groups gnomAD compares: South Asian, 0.0033%; no homozygotes.

Submissions (2):

Labcorp Genetics (formerly Invitae), Labcorp
Classification: Uncertain significance. Last evaluated: 2025-07-07. Review status: criteria provided, single submitter. Criteria: Invitae Variant Classification Sherloc (09022015). Collection method: clinical testing. Allele origin: germline.
Comment: This sequence change replaces arginine, which is basic and polar, with glutamine, which is neutral and polar, at codon 493 of the PITPNM3 protein (p.Arg493Gln). This variant is present in population databases (rs727504085, gnomAD 0.006%). This variant has not been reported in the literature in individuals affected with PITPNM3-related conditions. ClinVar contains an entry for this variant (Variation ID: 167470). An algorithm developed to predict the effect of missense changes on protein structure and function outputs the following: PolyPhen-2: "Benign". The glutamine amino acid residue is found in multiple mammalian species, which suggests that this missense change does not adversely affect protein function. In summary, the available evidence is currently insufficient to determine the role of this variant in disease. Therefore, it has been classified as a Variant of Uncertain Significance.

Eurofins Ntd Llc (ga)
Classification: Uncertain significance. Last evaluated: 2014-01-09. Review status: criteria provided, single submitter. Criteria: EGL Classification Definitions 2015. Collection method: clinical testing. Allele origin: germline. Observed: 1 variant allele, 1 heterozygote.